The following is an entry in ClinVar:

ClinVar aggregate classification (germline): Likely benign. Review status: criteria provided, single submitter (1 of 4 stars). 2 submissions from 2 submitters: Likely benign (1). 1 of the submissions does not count toward it. Last evaluated 2025-04-11.

Conditions:
Autosomal recessive limb-girdle muscular dystrophy type 2P. Also called: MUSCULAR DYSTROPHY-DYSTROGLYCANOPATHY, LIMB-GIRDLE, DAG1-RELATED; MUSCULAR DYSTROPHY, LIMB-GIRDLE, TYPE 2P; Limb-Girdle Muscular Dystrophy Type 9C. Identifiers: Orphanet 280333, MedGen C4511963, MONDO:0013440, OMIM 613818.
Muscular dystrophy-dystroglycanopathy (congenital with brain and eye anomalies), type A9. Also called: WALKER-WARBURG SYNDROME OR MUSCLE-EYE BRAIN DISEASE, DAG1-RELATED; Muscular dystrophy-dystroglycanopathy (congenital with brain and eye anomalies), type a, 9. Identifiers: Orphanet 370997, Orphanet 899, MedGen C4225291, MONDO:0014683, OMIM 616538.
DAG1-related disorder. Also called: DAG1-related condition.

Allele frequency attached by ClinVar (database versions not stated): TOPMed 0.00003; gnomAD exomes 0.00002; ExAC 0.00002; gnomAD 0.00001; ESP Exome Variant Server 0.00008.
gnomAD v4.1: 64 of 1,614,192 alleles (0.004%); highest among the groups gnomAD compares: Admixed American, 0.005%; no homozygotes.

Submissions (2):

Labcorp Genetics (formerly Invitae), Labcorp
Classification: Likely benign for Autosomal recessive limb-girdle muscular dystrophy type 2P; Muscular dystrophy-dystroglycanopathy (congenital with brain and eye anomalies), type A9. Last evaluated: 2025-04-11. Review status: criteria provided, single submitter. Criteria: Invitae Variant Classification Sherloc (09022015). Collection method: clinical testing. Allele origin: germline.

PreventionGenetics, part of Exact Sciences
Classification: Likely benign for DAG1-related condition. Last evaluated: 2022-07-05. Review status: no assertion criteria provided. Collection method: clinical testing. Allele origin: germline. Not counted in ClinVar's aggregate classification.
Comment: This variant is classified as likely benign based on ACMG/AMP sequence variant interpretation guidelines (Richards et al. 2015 PMID: 25741868, with internal and published modifications).

NM_004393.6(DAG1):c.2556C>A (p.Pro852=)

Gene: DAG1 (dystroglycan 1; plus strand). Cytogenetic location: 3p21.31.
Variant type: single nucleotide variant.
Coding change: c.2556C>A on transcript NM_004393.6 (MANE Select); coding-DNA position 2556, C replaced by A.
Protein change: p.Pro852=; no amino-acid change (proline 852 retained).
Molecular consequence: synonymous variant.
Genome position (GRCh38, 1-based): chr3:49,533,067, C>A. VCF-style: chr3-49533067-C-A. GRCh37 (hg19) VCF-style: chr3-49570500-C-A.
Other names: c.2556C>A, p.Pro852= (NM_001165928.4, NM_001177634.3, NM_001177635.3 and 9 more transcripts); c.2556C>A (NM_001165928.3).
Identifiers: ClinVar variation 1117713 (VCV001117713.9), dbSNP rs140861171, ClinGen allele CA2399287.